The following is an entry in ClinVar:

NM_004168.4(SDHA):c.1919A>G (p.Glu640Gly)

Gene: SDHA (succinate dehydrogenase complex flavoprotein subunit A; plus strand). Cytogenetic location: 5p15.33.
Variant type: single nucleotide variant.
Coding change: c.1919A>G on transcript NM_004168.4 (MANE Select); coding-DNA position 1919, A replaced by G.
Protein change: p.Glu640Gly; replaces glutamic acid 640 with glycine.
Molecular consequence: missense variant.
Genome position (GRCh38, 1-based): chr5:256,344, A>G. VCF-style: chr5-256344-A-G. GRCh37 (hg19) VCF-style: chr5-256459-A-G.
Other names: c.1775A>G, p.Glu592Gly (NM_001294332.2); c.1676A>G, p.Glu559Gly (NM_001330758.2); short protein forms E640G, E559G, E592G.
Identifiers: ClinVar variation 252908 (VCV000252908.27), dbSNP rs372480044, ClinGen allele CA3173461.

ClinVar aggregate classification (germline): Conflicting classifications of pathogenicity. Review status: criteria provided, conflicting classifications (1 of 4 stars). 8 submissions from 8 submitters: Uncertain significance (4); Likely benign (3). 1 of the submissions does not count toward it. Last evaluated 2026-01-28.

Conditions:
Hereditary cancer-predisposing syndrome. Also called: Hereditary Cancer Syndrome; Hereditary neoplastic syndrome; Neoplastic Syndromes, Hereditary; Tumor predisposition. Identifiers: Orphanet 140162, MedGen C0027672, MeSH D009386, MONDO:0015356.
Mitochondrial complex II deficiency, nuclear type 1. Also called: SUCCINATE CoQ REDUCTASE DEFICIENCY. Identifiers: Orphanet 3208, MedGen C5700310, MONDO:0100294, OMIM 252011.
Pheochromocytoma/paraganglioma syndrome 5. Also called: Paragangliomas 5; SDHA-Related Hereditary Paraganglioma-Pheochromocytoma Syndrome. Identifiers: Orphanet 29072, MedGen C3279992, MONDO:0013602, OMIM 614165.
Leigh syndrome (NULS). Also called: Leigh's syndrome; LEIGH SYNDROME, NUCLEAR; Leigh's necrotizing encephalopathy; Leigh's disease; Leigh Syndrome (mtDNA deletion); Leigh Disease. Identifiers: Orphanet 506, MedGen C2931891, MONDO:0009723, OMIM 256000.
Dilated cardiomyopathy 1GG (CMD1GG). Identifiers: Orphanet 154, MedGen C3150898, MONDO:0013339, OMIM 613642.

Allele frequency attached by ClinVar (database versions not stated): gnomAD exomes 0.00003 and 0.00011; ExAC 0.00019; ESP Exome Variant Server 0.00023; gnomAD 0.00052 and 0.00058; TOPMed 0.00064.
gnomAD v4.1: 124 of 1,613,294 alleles (0.0077%); highest among the groups gnomAD compares: African/African-American, 0.14%; 1 homozygote.

Submissions (8):

Labcorp Genetics (formerly Invitae), Labcorp
Classification: Likely benign for Pheochromocytoma/paraganglioma syndrome 5; Mitochondrial complex II deficiency, nuclear type 1. Last evaluated: 2026-01-28. Review status: criteria provided, single submitter. Criteria: Invitae Variant Classification Sherloc (09022015). Collection method: clinical testing. Allele origin: germline.

Ambry Genetics
Classification: Uncertain significance for Hereditary cancer-predisposing syndrome. Last evaluated: 2025-05-06. Review status: criteria provided, single submitter. Criteria: Ambry Variant Classification Scheme 2023. Collection method: clinical testing. Allele origin: germline.
Comment: The p.E640G variant (also known as c.1919A>G), located in coding exon 15 of the SDHA gene, results from an A to G substitution at nucleotide position 1919. The glutamic acid at codon 640 is replaced by glycine, an amino acid with similar properties. This alteration was detected in a large Brazilian family with multiple cases of papillary thyroid cancer, but it did not segregate with disease (Accordi ED et al. Eur Thyroid J. 2016 Jul;5:94-9). This amino acid position is well conserved in available vertebrate species. In addition, this alteration is predicted to be tolerated by in silico analysis. Based on the available evidence, the clinical significance of this variant remains unclear.

Women's Health and Genetics/Laboratory Corporation of America, LabCorp
Classification: Likely benign. Last evaluated: 2024-11-26. Review status: criteria provided, single submitter. Criteria: LabCorp Variant Classification Summary - May 2015. Collection method: clinical testing. Allele origin: germline.
Comment: Variant summary: SDHA c.1919A>G (p.Glu640Gly) results in a non-conservative amino acid change located in the Fumarate reductase/succinate dehydrogenase flavoprotein-like, C-terminal domain (IPR015939) of the encoded protein sequence. Three of five in-silico tools predict a benign effect of the variant on protein function. The variant allele was found at a frequency of 0.00011 in 251168 control chromosomes, predominantly at a frequency of 0.0016 within the African or African-American subpopulation in the gnomAD database, including 1 homozygotes. The observed variant frequency within African or African-American control individuals in the gnomAD database exceeds the estimated maximal expected allele frequency for a pathogenic variant in SDHA causing Neurodegeneration With Ataxia And Late-Onset Optic Atrophy phenotype. c.1919A>G has been reported in the literature in a family affected with Familiar Papillary Thyroid Carcinoma but did not segregate with disease (Accordi_2016). These report(s) do not provide unequivocal conclusions about association of the variant with Neurodegeneration With Ataxia And Late-Onset Optic Atrophy. To our knowledge, no experimental evidence demonstrating an impact on protein function has been reported. The following publication has been ascertained in the context of this evaluation (PMID: 27493882). ClinVar contains an entry for this variant (Variation ID: 252908). Based on the evidence outlined above, the variant was classified as likely benign.

Myriad Genetics, Inc.
Classification: Uncertain significance for Pheochromocytoma/paraganglioma syndrome 5. Last evaluated: 2023-04-21. Review status: criteria provided, single submitter. Criteria: Myriad Autosomal Dominant, Autosomal Recessive and X-Linked Classification Criteria (2023). Collection method: clinical testing. Allele origin: unknown.
Comment: This variant is classified as a variant of uncertain significance as there is insufficient evidence to determine its impact on protein function and/or cancer risk.

Sema4
Classification: Uncertain significance for Hereditary cancer-predisposing syndrome. Last evaluated: 2021-09-25. Review status: criteria provided, single submitter. Criteria: Sema4 Curation Guidelines. Collection method: curation. Allele origin: germline.
Comment: The SDHA c.1919A>G (p.E640G) variant has been reported in at least one individual with breast cancer (PMID: 33606809). It was also reported in a family with papillary thyroid carcinoma, however, it did not segregate with the disease (PMID: 27493882). It was observed in 42/24954 chromosomes with one homozygote in the African/African American subpopulation of the large and broad cohorts of the Genome Aggregation Database (PMID: 32461654). The variant has been reported in ClinVar (Variation ID 252908). Functional studies have not been performed, and in silico predictions of the variant's effect on protein function are inconclusive. The evidence is insufficient to meet ACMG/AMP criteria for classifying the variant as benign or pathogenic. Thus, the clinical significance of this variant is currently uncertain.

GeneDx
Classification: Likely benign. Last evaluated: 2019-12-20. Review status: criteria provided, single submitter. Criteria: GeneDx Variant Classification Process June 2021. Collection method: clinical testing. Allele origin: germline. Affected: yes.
Comment: This variant is associated with the following publications: (PMID: 17376234, 27493882, 31376648)

Fulgent Genetics
Classification: Uncertain significance for Mitochondrial complex II deficiency, nuclear type 1; Leigh syndrome; Dilated cardiomyopathy 1GG; Pheochromocytoma/paraganglioma syndrome 5. Last evaluated: 2018-10-31. Review status: criteria provided, single submitter. Criteria: ACMG Guidelines, 2015. Collection method: clinical testing. Allele origin: unknown.

Counsyl
Classification: Uncertain significance for Pheochromocytoma/paraganglioma syndrome 5. Last evaluated: 2018-04-17. Review status: no assertion criteria provided. Collection method: clinical testing. Allele origin: unknown. Not counted in ClinVar's aggregate classification.

Literature cited by the submitters: PubMed 17376234 (cited by Ambry Genetics); PubMed 27493882 (cited by 3 submitters); PubMed 33606809 (cited by Sema4).